The following is an entry in ClinVar:

ClinVar aggregate classification (germline): Uncertain significance. Review status: criteria provided, multiple submitters, no conflicts (2 of 4 stars). 2 submissions from 2 submitters: Uncertain significance (2). Last evaluated 2023-05-13.

Conditions:
Familial thoracic aortic aneurysm and aortic dissection (TAAD). Also called: Thoracic aortic aneurysms and dissections. Identifiers: Orphanet 91387, MedGen C4707243, MONDO:0019625.
Marfan syndrome (MFS). Also called: Marfan syndrome, classic; Marfan syndrome type 1; Marfan's syndrome; FBN1-Related Marfan Syndrome; MARFAN SYNDROME, TYPE I. Identifiers: Orphanet 284963, Orphanet 558, MedGen C0024796, MONDO:0007947, OMIM 154700.

Allele frequency attached by ClinVar (database versions not stated): TOPMed 0.00001.
gnomAD v4.1: 1 of 1,614,060 alleles (0.000062%); highest among the groups gnomAD compares: Non-Finnish European, 0.000085%; no homozygotes.

Submissions (2):

Labcorp Genetics (formerly Invitae), Labcorp
Classification: Uncertain significance for Marfan syndrome; Familial thoracic aortic aneurysm and aortic dissection. Last evaluated: 2023-05-13. Review status: criteria provided, single submitter. Criteria: Invitae Variant Classification Sherloc (09022015). Collection method: clinical testing. Allele origin: germline.
Comment: This sequence change replaces proline, which is neutral and non-polar, with threonine, which is neutral and polar, at codon 316 of the FBN1 protein (p.Pro316Thr). This variant is not present in population databases (gnomAD no frequency). This variant has not been reported in the literature in individuals affected with FBN1-related conditions. In summary, the available evidence is currently insufficient to determine the role of this variant in disease. Therefore, it has been classified as a Variant of Uncertain Significance. Advanced modeling of protein sequence and biophysical properties (such as structural, functional, and spatial information, amino acid conservation, physicochemical variation, residue mobility, and thermodynamic stability) performed at Invitae indicates that this missense variant is expected to disrupt FBN1 protein function. ClinVar contains an entry for this variant (Variation ID: 948395).

GeneDx
Classification: Uncertain significance. Last evaluated: 2019-08-19. Review status: criteria provided, single submitter. Criteria: GeneDx Variant Classification Process June 2021. Collection method: clinical testing. Allele origin: germline. Affected: yes.
Comment: Has not been previously published as pathogenic or benign to our knowledge; Not observed in large population cohorts (Lek et al., 2016); In silico analysis, which includes protein predictors and evolutionary conservation, supports a deleterious effect; Although located in a calcium-binding EGF-like domain of the FBN1 gene, it does not affect a cysteine residue within this domain; cysteine substitutions in the calcium-binding EGF-like domains represent the majority of pathogenic missense changes associated with FBN1 related disorders (Collod-Beroud et al., 2003).; This variant is associated with the following publications: (PMID: 30408610)

NM_000138.5(FBN1):c.946C>A (p.Pro316Thr)

Gene: FBN1 (fibrillin 1; minus strand). Cytogenetic location: 15q21.1.
Variant type: single nucleotide variant.
Coding change: c.946C>A on transcript NM_000138.5 (MANE Select); coding-DNA position 946, C replaced by A.
Protein change: p.Pro316Thr; replaces proline 316 with threonine.
Molecular consequence: missense variant.
Genome position (GRCh38, 1-based): chr15:48,526,172, G>T on the plus strand (C>A on the coding strand, the complement: FBN1 is on the minus strand). VCF-style: chr15-48526172-G-T. GRCh37 (hg19) VCF-style: chr15-48818369-G-T.
Other names: short protein forms P316T.
Identifiers: ClinVar variation 948395 (VCV000948395.11), dbSNP rs756687172, ClinGen allele CA392349867.